The following is an entry in ClinVar:

NM_001202.6(BMP4):c.568G>A (p.Val190Met)

Gene: BMP4 (bone morphogenetic protein 4; minus strand). Cytogenetic location: 14q22.2.
Variant type: single nucleotide variant.
Coding change: c.568G>A on transcript NM_001202.6 (MANE Select); coding-DNA position 568, G replaced by A.
Protein change: p.Val190Met; replaces valine 190 with methionine.
Molecular consequence: missense variant.
Genome position (GRCh38, 1-based): chr14:53,950,691, C>T on the plus strand (G>A on the coding strand, the complement: BMP4 is on the minus strand). VCF-style: chr14-53950691-C-T. GRCh37 (hg19) VCF-style: chr14-54417409-C-T.
Other names: c.709G>A, p.Val237Met (NM_001347912.1); c.379G>A, p.Val127Met (NM_001347913.2, NM_001347915.2, NM_001347917.1); c.568G>A, p.Val190Met (NM_001347914.2, NM_001347916.1, NM_130850.5 and 1 more transcripts); short protein forms V190M, V127M, V237M.
Identifiers: ClinVar variation 1424062 (VCV001424062.6), dbSNP rs759277724, ClinGen allele CA7191716.

ClinVar aggregate classification (germline): Uncertain significance (1 of 4 stars; one submission).

Conditions:
Microphthalmia with brain and digit anomalies (MCOPS6). Also called: MICROPHTHALMIA AND PITUITARY ANOMALIES; Microphthalmia, syndromic 6. Identifiers: Orphanet 139471, MedGen C1864689, MONDO:0011936, OMIM 607932.
Orofacial cleft 11 (OFC11). Also called: CLEFT LIP WITH OR WITHOUT CLEFT PALATE, NONSYNDROMIC, 11; Orofacial cleft 11; ofc11. Identifiers: MedGen C2677434, MONDO:0010906, OMIM 600625.

Allele frequency attached by ClinVar (database versions not stated): gnomAD exomes below 0.00001; ExAC 0.00001.

Submission:

Labcorp Genetics (formerly Invitae), Labcorp
Classification: Uncertain significance for Microphthalmia with brain and digit anomalies; Orofacial cleft 11. Last evaluated: 2021-08-16. Review status: criteria provided, single submitter. Criteria: Invitae Variant Classification Sherloc (09022015). Collection method: clinical testing. Allele origin: germline.
Comment: In summary, the available evidence is currently insufficient to determine the role of this variant in disease. Therefore, it has been classified as a Variant of Uncertain Significance. Algorithms developed to predict the effect of missense changes on protein structure and function output the following: SIFT: "Tolerated"; PolyPhen-2: "Benign"; Align-GVGD: "Class C0". The methionine amino acid residue is found in multiple mammalian species, which suggests that this missense change does not adversely affect protein function. This variant has not been reported in the literature in individuals affected with BMP4-related conditions. This variant is present in population databases (rs759277724, ExAC 0.002%). This sequence change replaces valine with methionine at codon 190 of the BMP4 protein (p.Val190Met). The valine residue is weakly conserved and there is a small physicochemical difference between valine and methionine.